The following continues an entry in ClinVar:

NM_007294.4(BRCA1):c.191G>A (p.Cys64Tyr)

Gene: BRCA1. ClinVar aggregate classification (germline): Pathogenic. Pathogenic (1).

Submissions 8 to 22 of 31:

Molecular Pathology, Peter Maccallum Cancer Centre
Classification: Pathogenic for Breast-ovarian cancer, familial, susceptibility to, 1. Last evaluated: 2024-08-13. Review status: criteria provided, single submitter. Criteria: ACMG Guidelines, 2015. Collection method: clinical testing. Allele origin: germline. Inheritance: Autosomal dominant inheritance. Not counted in ClinVar's aggregate classification.

German Consortium for Hereditary Breast and Ovarian Cancer, University Hospital Cologne
Classification: Pathogenic for Hereditary breast ovarian cancer syndrome. Last evaluated: 2024-07-08. Review status: criteria provided, single submitter. Criteria: ClinGen BRCA1 V1.1.0. Collection method: curation. Allele origin: germline. Not counted in ClinVar's aggregate classification.
Comment: According to the ClinGen ENIGMA BRCA1 v1.1.0 criteria we chose these criteria: PS3 (strong pathogenic): Reported by one calibrated study to exhibit protein function similar to pathogenic control variants (PMID: 30209399) (PS3 met). , PM2 (supporting pathogenic): Absent from controls , PP3 (supporting pathogenic): inside a (potentially) clinically important functional domain and predicted impact via protein change (BayesDel no-AF score ≥0.28), PP4 (very strong pathogenic): Multifactorial likelihood ratio analysis using clinically calibrated data produced a combined LR for this variant of 17239845573264 (based on Cosegregation LR=5300394; Pathology LR=189; Family History LR=17201), above the threshold for Very strong evidence towards pathogenicity (>350) (PP4_Very strong met; PMID: 31131967, 31853058).

Mayo Clinic Laboratories, Mayo Clinic
Classification: Pathogenic. Last evaluated: 2024-04-19. Review status: criteria provided, single submitter. Criteria: ACMG Guidelines, 2015. Collection method: clinical testing. Allele origin: germline. Not counted in ClinVar's aggregate classification.
Comment: PP4_very_strong, PM2, PS3

Color Diagnostics, LLC DBA Color Health
Classification: Pathogenic for Hereditary cancer-predisposing syndrome. Last evaluated: 2024-03-05. Review status: criteria provided, single submitter. Criteria: ACMG Guidelines, 2015. Collection method: clinical testing. Allele origin: germline. Not counted in ClinVar's aggregate classification.
Comment: This missense variant replaces cysteine with tyrosine at codon 64 of the BRCA1 protein. Computational prediction suggests that this variant may have deleterious impact on protein structure and function. Functional studies have reported that this variant impacts BRCA1 function in ubiquitin ligase, BARD1 binding, haploid cell proliferation and yeast colony size assays (PMID: 11320250, 12732733, 25823446, 27272900, 30209399). This variant has been reported in over 10 individuals affected with breast and ovarian cancer (PMID: 9699523, 11015464, 14760071, 15131401, 22034289, 23192404) and in suspected hereditary breast and ovarian cancer families (PMID:18489799, 19949876, 23397983). This variant also has been reported to have segregation and tumor pathology likelihood ratios for pathogenicity of 5300394 and 189, respectively (PMID: 31131967). This variant has not been identified in the general population by the Genome Aggregation Database (gnomAD). Based on the available evidence, this variant is classified as Pathogenic.

Baylor Genetics
Classification: Pathogenic for Breast-ovarian cancer, familial, susceptibility to, 1. Last evaluated: 2024-01-14. Review status: criteria provided, single submitter. Criteria: ACMG Guidelines, 2015. Collection method: clinical testing. Allele origin: unknown. Not counted in ClinVar's aggregate classification.

Human Genetics Bochum, Ruhr University Bochum
Classification: Pathogenic for Pancreatic cancer, susceptibility to, 4. Last evaluated: 2023-08-18. Review status: criteria provided, single submitter. Criteria: ACMG Guidelines, 2015. Collection method: clinical testing. Allele origin: germline. Affected: yes. Not counted in ClinVar's aggregate classification.
Comment: ACMG criteria used to clasify this variant:PS3, PS4, PM5, PM2_SUP, PP1

GeneDx
Classification: Pathogenic. Last evaluated: 2023-06-28. Review status: criteria provided, single submitter. Criteria: GeneDx Variant Classification Process June 2021. Collection method: clinical testing. Allele origin: germline. Affected: yes. Not counted in ClinVar's aggregate classification.
Comment: Observed in numerous Hereditary Breast and Ovarian Cancer families (Taylor 1998, Laplace-Marieze 1999, Shih 2000, Krajc 2008, Stegel 2011, Zhang 2012, Novakovic 2012, Krajc 2014, Cvelbar 2017); Published functional studies demonstrate a damaging effect: reduced or absent ubiquitin ligase activity, decreased BARD1 binding, decreased cell survival, and abnormal yeast colony size and spot formation (Ruffner 2001, Starita 2015, Thouvenot 2016, Findlay 2018); Multifactorial likelihood analysis suggests this variant is pathogenic (Parsons 2019); In silico analysis supports that this missense variant has a deleterious effect on protein structure/function; Not observed at significant frequency in large population cohorts (gnomAD); Also known as 310G>A; This variant is associated with the following publications: (PMID: 25451870, 31467430, 15235020, 8807330, 18783588, 11927492, 23397983, 9699523, 22739995, 23192404, 21232165, 18489799, 11106241, 11320250, 22505045, 22923021, 8944023, 25823446, 27272900, 22753008, 15131401, 9808526, 10200350, 25085752, 29446198, 30696104, 31131967, 28740454, 31209999, 25525159, 32341426, 30787465, 30209399, 32741062, 33087888, 19949876, 22034289, 11526114, 7894491, 23161852, 24516540, 19287957, 36171877, 35464868, 35659930, 34930662, 24389207, 20104584, 28888541, 30322717, 33758026, 30130155)

Blueprint Genetics
Classification: Pathogenic for BRCA1-related disorders. Last evaluated: 2022-12-05. Review status: criteria provided, single submitter. Criteria: ACMG Guidelines, 2015. Collection method: clinical testing. Allele origin: germline. Affected: yes. Observed: 1 variant allele. Not counted in ClinVar's aggregate classification.

Revvity Omics, Revvity
Classification: Pathogenic. Last evaluated: 2022-04-20. Review status: criteria provided, single submitter. Criteria: ACMG Guidelines, 2015. Collection method: clinical testing. Allele origin: germline. Not counted in ClinVar's aggregate classification.

National Health Laboratory Service, Universitas Academic Hospital and University of the Free State
Classification: Pathogenic for Hereditary breast ovarian cancer syndrome. Last evaluated: 2022-04-19. Review status: criteria provided, single submitter. Criteria: ACMG Guidelines, 2015. Collection method: clinical testing. Allele origin: germline. Affected: yes. Observed: 1 variant allele. Not counted in ClinVar's aggregate classification.

Women's Health and Genetics/Laboratory Corporation of America, LabCorp
Classification: Pathogenic for Hereditary breast ovarian cancer syndrome. Last evaluated: 2021-03-28. Review status: criteria provided, single submitter. Criteria: LabCorp Variant Classification Summary - May 2015. Collection method: clinical testing. Allele origin: germline. Not counted in ClinVar's aggregate classification.
Comment: Variant summary: BRCA1 c.191G>A (p.Cys64Tyr) results in a non-conservative amino acid change located in the RING domain of the encoded protein sequence. Five of five in-silico tools predict a damaging effect of the variant on protein function. The variant was absent in 250804 control chromosomes. c.191G>A has been widely reported in the literature in multiple individuals affected with Hereditary Breast And Ovarian Cancer Syndrome (example, Rebbeck_2018). These data indicate that the variant is very likely to be associated with disease. Several publications report experimental evidence evaluating an impact on protein function (example, Findlay_2018). The most pronounced variant effect results in a loss of homology directed repair (HDR) activity. Multiple clinical diagnostic laboratories, a consortium (CIMBA) and an expert panel (ENIGMA) have submitted clinical-significance assessments for this variant to ClinVar after 2014 without evidence for independent evaluation. All submitters classified the variant as pathogenic (n=9 including the expert panel)/likely pathogenic (n=1). Some submitters cite overlapping evidence utilized in the context of this evaluation. Based on the evidence outlined above, the variant was classified as pathogenic.

Department of Molecular Diagnostics, Institute of Oncology Ljubljana
Classification: Pathogenic for Breast-ovarian cancer, familial, susceptibility to, 1. Last evaluated: 2020-04-02. Review status: criteria provided, single submitter. Criteria: ACMG Guidelines, 2015. Collection method: clinical testing. Allele origin: germline. Affected: yes. Not counted in ClinVar's aggregate classification.

HudsonAlpha Institute for Biotechnology
Classification: Pathogenic for Breast-ovarian cancer, familial, susceptibility to, 1. Last evaluated: 2020-02-28. Review status: criteria provided, single submitter. Criteria: ACMG Guidelines, 2015. Collection method: research. Allele origin: paternal. Observed: 1 variant allele. Study: CSER-SouthSeq. Not counted in ClinVar's aggregate classification.
Comment: ACMG codes:PS3; PS4; PM2; PP3; PP5

CeGaT Center for Human Genetics Tuebingen
Classification: Pathogenic. Last evaluated: 2019-10-01. Review status: criteria provided, single submitter. Criteria: CeGaT Center For Human Genetics Tuebingen Variant Classification Criteria Version 2. Collection method: clinical testing. Allele origin: germline. Affected: yes. Observed: 1 variant allele. Not counted in ClinVar's aggregate classification.

Consortium of Investigators of Modifiers of BRCA1/2 (CIMBA), c/o University of Cambridge
Classification: Pathogenic for Breast-ovarian cancer, familial, susceptibility to, 1. Last evaluated: 2015-10-02. Review status: criteria provided, single submitter. Criteria: CIMBA Mutation Classification guidelines May 2016. Collection method: clinical testing. Allele origin: germline. Not counted in ClinVar's aggregate classification.